The following is an entry in ClinVar:

NM_003504.5(CDC45):c.1453C>T (p.Arg485Cys)

Gene: CDC45 (cell division cycle 45; plus strand). Cytogenetic location: 22q11.21.
Variant type: single nucleotide variant.
Coding change: c.1453C>T on transcript NM_003504.5 (MANE Select); coding-DNA position 1453, C replaced by T.
Protein change: p.Arg485Cys; replaces arginine 485 with cysteine.
Molecular consequence: missense variant. On other transcripts: non-coding transcript variant (1).
Genome position (GRCh38, 1-based): chr22:19,516,539, C>T. VCF-style: chr22-19516539-C-T. GRCh37 (hg19) VCF-style: chr22-19504062-C-T.
Other names: c.1549C>T, p.Arg517Cys (NM_001178010.2); c.1315C>T, p.Arg439Cys (NM_001178011.2); c.1417C>T, p.Arg473Cys (NM_001369291.1); short protein forms R439C, R473C, R485C, R517C.
Identifiers: ClinVar variation 2071862 (VCV002071862.1), dbSNP rs757736626, ClinGen allele CA10101457.
Genomic context (GRCh38, chr22:19,516,539, plus strand): 5'-AGCTGGGGCCCACCATACCCTGACGGAGGGTGCTCTCCGACTCCATAGACAAAGAACCGG[C>T]GCTGCAAACTGCTGCCCCTGGTGATGGCTGCCCCCCTGAGCATGGAGCATGGCACAGTGA-3'
Protein context (NP_003495.1, residues 475-495): KSFVCSTKNR[Arg485Cys]CKLLPLVMAA

ClinVar aggregate classification (germline): Uncertain significance (1 of 4 stars; one submission).

Allele frequency attached by ClinVar (database versions not stated): ExAC 0.00001; gnomAD 0.00002; gnomAD exomes 0.00002; TOPMed 0.00004.
gnomAD v4.1: 37 of 1,613,630 alleles (0.0023%); highest among the groups gnomAD compares: African/African-American, 0.004%; no homozygotes.

Submission:

Labcorp Genetics (formerly Invitae), Labcorp
Classification: Uncertain significance. Last evaluated: 2022-08-17. Review status: criteria provided, single submitter. Criteria: Invitae Variant Classification Sherloc (09022015). Collection method: clinical testing. Allele origin: germline.
Comment: This sequence change replaces arginine, which is basic and polar, with cysteine, which is neutral and slightly polar, at codon 517 of the CDC45 protein (p.Arg517Cys). This variant is present in population databases (rs757736626, gnomAD 0.003%). This variant has not been reported in the literature in individuals affected with CDC45-related conditions. Algorithms developed to predict the effect of missense changes on protein structure and function are either unavailable or do not agree on the potential impact of this missense change (SIFT: "Deleterious"; PolyPhen-2: "Probably Damaging"; Align-GVGD: "Class C0"). In summary, the available evidence is currently insufficient to determine the role of this variant in disease. Therefore, it has been classified as a Variant of Uncertain Significance.